The following is an entry in ClinVar:

NM_000136.3(FANCC):c.350T>C (p.Val117Ala)

Gene: FANCC (FA complementation group C; minus strand). Cytogenetic location: 9q22.32.
Variant type: single nucleotide variant.
Coding change: c.350T>C on transcript NM_000136.3 (MANE Select); coding-DNA position 350, T replaced by C.
Protein change: p.Val117Ala; replaces valine 117 with alanine.
Molecular consequence: missense variant.
Genome position (GRCh38, 1-based): chr9:95,172,143, A>G on the plus strand (T>C on the coding strand, the complement: FANCC is on the minus strand). VCF-style: chr9-95172143-A-G. GRCh37 (hg19) VCF-style: chr9-97934425-A-G.
Other names: c.350T>C, p.Val117Ala (NM_001243743.2, NM_001243744.2); short protein forms V117A.
Identifiers: ClinVar variation 4022416 (VCV004022416.1).

ClinVar aggregate classification (germline): Uncertain significance (1 of 4 stars; one submission).

Conditions:
Hereditary cancer-predisposing syndrome. Also called: Tumor predisposition; Hereditary neoplastic syndrome; Neoplastic Syndromes, Hereditary; Hereditary Cancer Syndrome. Identifiers: Orphanet 140162, MedGen C0027672, MeSH D009386, MONDO:0015356.

Submission:

Ambry Genetics
Classification: Uncertain significance for Hereditary cancer-predisposing syndrome. Last evaluated: 2025-05-03. Review status: criteria provided, single submitter. Criteria: Ambry Variant Classification Scheme 2023. Collection method: clinical testing. Allele origin: germline.
Comment: The p.V117A variant (also known as c.350T>C), located in coding exon 4 of the FANCC gene, results from a T to C substitution at nucleotide position 350. The valine at codon 117 is replaced by alanine, an amino acid with similar properties. This amino acid position is conserved. In addition, this alteration is predicted to be tolerated by in silico analysis. Based on the available evidence, the clinical significance of this variant remains unclear.